The following is an entry in ClinVar:

ClinVar aggregate classification (germline): Pathogenic. Review status: criteria provided, multiple submitters, no conflicts (2 of 4 stars). 5 submissions from 5 submitters: Pathogenic (5). Last evaluated 2025-03-05.

Conditions:
Mucopolysaccharidosis, MPS-IV-B (MPS4B). Also called: Mucopolysaccharidosis type IV B; Mucopolysaccharidosis Type IVB; MORQUIO SYNDROME B; Mucopolysaccharidosis type IVB (Morquio); MPS IVB; Mucopolysaccharidosis Type IVB (Morquio B Disease). Identifiers: Orphanet 309310, Orphanet 582, MedGen C0086652, MONDO:0009660, OMIM 253010.
GM1 gangliosidosis. Identifiers: Orphanet 354, MedGen C0085131, MONDO:0018149.
GLB1-related disorder. Also called: GLB1-related disorders. Identifiers: MedGen CN377807.

Submissions (5):

3billion
Classification: Pathogenic for GLB1-related disorder. Last evaluated: 2025-03-05. Review status: criteria provided, single submitter. Criteria: ACMG Guidelines, 2015. Collection method: clinical testing. Allele origin: germline. Affected: yes.
Comment: The variant is observed at an extremely low frequency in the gnomAD v4.1.0 dataset (total allele frequency: <0.001%). Predicted Consequence/Location: Stop-gained (nonsense): predicted to result in a loss or disruption of normal protein function through nonsense-mediated decay (NMD) or protein truncation. Multiple pathogenic variants are reported downstream of the variant. The variant has been reported at least twice as pathogenic with clinical assertions and evidence for the classification (ClinVar ID: VCV000817580 /PMID: 30555092). Therefore, this variant is classified as Pathogenic according to the recommendation of ACMG/AMP guideline.

Labcorp Genetics (formerly Invitae), Labcorp
Classification: Pathogenic for Mucopolysaccharidosis, MPS-IV-B; GM1 gangliosidosis. Last evaluated: 2024-02-22. Review status: criteria provided, single submitter. Criteria: Invitae Variant Classification Sherloc (09022015). Collection method: clinical testing. Allele origin: germline.
Comment: This sequence change creates a premature translational stop signal (p.Tyr294*) in the GLB1 gene. It is expected to result in an absent or disrupted protein product. Loss-of-function variants in GLB1 are known to be pathogenic (PMID: 18524657). This variant is present in population databases (rs767704163, gnomAD 0.02%). This premature translational stop signal has been observed in individual(s) with GLB1-related condition (PMID: 30555092). ClinVar contains an entry for this variant (Variation ID: 817580). For these reasons, this variant has been classified as Pathogenic.

Revvity Omics, Revvity
Classification: Pathogenic. Last evaluated: 2022-07-26. Review status: criteria provided, single submitter. Criteria: ACMG Guidelines, 2015. Collection method: clinical testing. Allele origin: germline.

GeneDx
Classification: Pathogenic. Last evaluated: 2019-01-22. Review status: criteria provided, single submitter. Criteria: GeneDx Variant Classification (06012015). Collection method: clinical testing. Allele origin: germline. Affected: yes.
Comment: The c.881_882delAT variant causes a frameshift starting with codon Tyrosine 294 and changes this amino acid to a premature Stop codon, denoted p.Tyr294Ter. This variant is predicted to cause loss of normal protein function either through protein truncation or nonsense-mediated mRNA decay. Therefore, c.881_882delAT is considered to be a pathogenic variant.

CENTOGENE GmbH and LLC - Guiding Precision Medicine
Classification: Pathogenic for GM1-gangliosidosis. Review status: criteria provided, single submitter. Criteria: ACMG Guidelines, 2015. Collection method: clinical testing. Allele origin: germline. Affected: yes.

Literature cited by the submitters: PubMed 30555092 (cited by 3billion and Labcorp Genetics (formerly Invitae), Labcorp); PubMed 18524657 (cited by Labcorp Genetics (formerly Invitae), Labcorp).

NM_000404.4(GLB1):c.881_882del (p.Leu293_Tyr294insTer)

Gene: GLB1 (galactosidase beta 1; minus strand). Cytogenetic location: 3p22.3.
Variant type: Deletion.
Coding change: c.881_882del on transcript NM_000404.4 (MANE Select); coding-DNA positions 881 to 882, 2 bases deleted (AT; older notation c.881_882delAT).
Protein change: p.Leu293_Tyr294insTer.
Molecular consequence: nonsense.
Genome position (GRCh38, 1-based): chr3:33,051,915-33,051,916, AT deleted on the plus strand (AT on the coding strand, the reverse complement: GLB1 is on the minus strand); deleting any 2 consecutive bases within chr3:33,051,915-33,051,917 gives the same sequence; the c. name uses the placement nearest the transcript's 3' end. VCF-style (leftmost placement, unchanged base first): chr3-33051914-CAT-C. GRCh37 (hg19) VCF-style: chr3-33093406-CAT-C.
Other names: c.881_882del (NM_000404.2); c.1025_1026delAT (NM_001317040.1); c.791_792del, p.Leu263_Tyr264insTer (NM_001079811.3); c.488_489del, p.Leu162_Tyr163insTer (NM_001135602.3); c.1025_1026del, p.Leu341_Tyr342insTer (NM_001317040.2); c.881_882del, p.Leu293_Tyr294insTer (NM_001393580.1).
Identifiers: ClinVar variation 817580 (VCV000817580.12), dbSNP rs767704163, ClinGen allele CA2299573.